The following is an entry in ClinVar:

ClinVar aggregate classification (germline): Uncertain significance (1 of 4 stars; one submission).

Allele frequency attached by ClinVar (database versions not stated): gnomAD 0.00002 and 0.00004.

Submission:

GeneDx
Classification: Uncertain significance. Last evaluated: 2018-01-11. Review status: criteria provided, single submitter. Criteria: GeneDx Variant Classification (06012015). Collection method: clinical testing. Allele origin: germline. Affected: yes.
Comment: The c.48G>A variant in the PLEKHM1 gene has not been reported previously as a pathogenic variant nor as a benign variant, to our knowledge. This variant is predicted to damage the natural splice donor site in intron 2, and may cause abnormal gene splicing. However, in the absence of RNA/functional studies, the actual effect of the c.48G>A variant is unknown. The c.48G>A variant is observed in 1/23598 (0.004%) alleles in large population cohorts (Lek et al., 2016). We interpret c.48G>A as a variant of uncertain significance.

NM_014798.3(PLEKHM1):c.48G>A (p.Pro16=)

Gene: PLEKHM1 (pleckstrin homology and RUN domain containing M1; minus strand). Cytogenetic location: 17q21.31.
Variant type: single nucleotide variant.
Coding change: c.48G>A on transcript NM_014798.3 (MANE Select); coding-DNA position 48, G replaced by A.
Protein change: p.Pro16=; no amino-acid change (proline 16 retained).
Molecular consequence: synonymous variant. On other transcripts: non-coding transcript variant (2).
Genome position (GRCh38, 1-based): chr17:45,482,437, C>T on the plus strand (G>A on the coding strand, the complement: PLEKHM1 is on the minus strand). VCF-style: chr17-45482437-C-T. GRCh37 (hg19) VCF-style: chr17-43559803-C-T.
Other names: c.48G>A, p.Pro16= (NM_001352825.2).
Identifiers: ClinVar variation 489329 (VCV000489329.2), dbSNP rs1459508370, ClinGen allele CA500358352.